The following is an entry in ClinVar:

NM_139318.5(KCNH5):c.2684del (p.Lys895fs)

Gene: KCNH5 (potassium voltage-gated channel subfamily H member 5; minus strand). Cytogenetic location: 14q23.2.
Variant type: Deletion.
Coding change: c.2684del on transcript NM_139318.5 (MANE Select); coding-DNA position 2684, one base deleted (A; older notation c.2684delA).
Protein change: p.Lys895fs; shifts the reading frame from lysine 895.
Molecular consequence: frameshift variant. On other transcripts: 3 prime UTR variant (1).
Genome position (GRCh38, 1-based): chr14:62,707,791, T deleted on the plus strand (A on the coding strand, the reverse complement: KCNH5 is on the minus strand); the first of 2 consecutive T bases (chr14:62,707,791-62,707,792); deleting either gives the same sequence. VCF-style (leftmost placement, unchanged base first): chr14-62707790-CT-C. GRCh37 (hg19) VCF-style: chr14-63174508-CT-C.
Other names: c.*651del (NM_172375.3); short protein forms K895fs.
Identifiers: ClinVar variation 3899798 (VCV003899798.1).

ClinVar aggregate classification (germline): Uncertain significance (1 of 4 stars; one submission).

Submission:

GeneDx
Classification: Uncertain significance. Last evaluated: 2024-11-15. Review status: criteria provided, single submitter. Criteria: GeneDx Variant Classification Process June 2021. Collection method: clinical testing. Allele origin: germline. Affected: yes.
Comment: Not observed at significant frequency in large population cohorts (gnomAD); Frameshift variant predicted to result in abnormal protein length as the last 94 amino acids are replaced with 33 different amino acids; Has not been previously published as pathogenic or benign to our knowledge